The following is an entry in ClinVar:

NC_000011.9:g.(?_117233107)_117234066del

Gene: CEP164 (centrosomal protein 164; plus strand).
Variant type: Deletion.
Identifiers: ClinVar variation 1047435 (VCV001047435.2).

ClinVar aggregate classification (germline): Uncertain significance (1 of 4 stars; one submission).

Conditions:
Nephronophthisis 15 (NPHP15). Identifiers: Orphanet 3156, MedGen C3541853, MONDO:0013917, OMIM 614845.

Submission:

Labcorp Genetics (formerly Invitae), Labcorp
Classification: Uncertain significance for Nephronophthisis 15. Last evaluated: 2020-10-27. Review status: criteria provided, single submitter. Criteria: Invitae Variant Classification Sherloc (09022015). Collection method: clinical testing. Allele origin: germline.
Comment: This variant is an in-frame deletion of the genomic region encompassing exon(s) 7 of the CEP164 gene. It preserves the integrity of the reading frame. This variant has not been reported in the literature in individuals with CEP164-related conditions. Experimental studies and prediction algorithms are not available or were not evaluated, and the functional significance of this variant is currently unknown. In summary, the available evidence is currently insufficient to determine the role of this variant in disease. Therefore, it has been classified as a Variant of Uncertain Significance.